The following is an entry in ClinVar:

ClinVar aggregate classification (germline): Likely benign (1 of 4 stars; one submission).

Submission:

CeGaT Center for Human Genetics Tuebingen
Classification: Likely benign. Last evaluated: 2025-03-01. Review status: criteria provided, single submitter. Criteria: CeGaT Center For Human Genetics Tuebingen Variant Classification Criteria Version 2. Collection method: clinical testing. Allele origin: germline. Affected: yes. Observed: 1 variant allele.
Comment: NBPF20: PM2:Supporting, BP4, BP7

NM_001278267.1(NBPF20):c.-894+1850G>A

Gene: NBPF20 (NBPF member 20; minus strand). Cytogenetic location: 1q21.2.
Variant type: single nucleotide variant.
Coding change: c.-894+1850G>A on transcript NM_001278267.1; 1850 bases into the intron after 894 bases upstream of the start codon, G replaced by A.
Identifiers: ClinVar variation 3778213 (VCV003778213.4).